The following is an entry in ClinVar:

NM_000455.5(STK11):c.237C>T (p.Ile79=)

Gene: STK11 (serine/threonine kinase 11; plus strand). Cytogenetic location: 19p13.3.
Variant type: single nucleotide variant.
Coding change: c.237C>T on transcript NM_000455.5 (MANE Select); coding-DNA position 237, C replaced by T.
Protein change: p.Ile79=; no amino-acid change (isoleucine 79 retained).
Molecular consequence: synonymous variant.
Genome position (GRCh38, 1-based): chr19:1,207,150, C>T. VCF-style: chr19-1207150-C-T. GRCh37 (hg19) VCF-style: chr19-1207149-C-T.
Identifiers: ClinVar variation 184178 (VCV000184178.27), dbSNP rs751859508, ClinGen allele CA022742.

ClinVar aggregate classification (germline): Benign/Likely benign. Review status: criteria provided, multiple submitters, no conflicts (2 of 4 stars). 10 submissions from 10 submitters: Benign (2); Likely benign (7). 1 of the submissions does not count toward it. Last evaluated 2025-11-27.

Conditions:
Hereditary cancer-predisposing syndrome. Also called: Tumor predisposition; Hereditary Cancer Syndrome; Hereditary neoplastic syndrome; Neoplastic Syndromes, Hereditary. Identifiers: Orphanet 140162, MedGen C0027672, MeSH D009386, MONDO:0015356.
Peutz-Jeghers syndrome (PJS). Also called: POLYPOSIS, HAMARTOMATOUS INTESTINAL; POLYPS-AND-SPOTS SYNDROME; Peutz-Jeghers polyposis; Periorificial lentiginosis syndrome. Identifiers: Orphanet 2869, MedGen C0031269, MeSH D010580, MONDO:0008280, OMIM 175200.

Allele frequency attached by ClinVar (database versions not stated): ExAC 0.00002; TOPMed 0.00002; gnomAD exomes 0.00005.
gnomAD v4.1: 37 of 1,612,748 alleles (0.0023%); highest among the groups gnomAD compares: Admixed American, 0.015%; no homozygotes.

Submissions (10):

Labcorp Genetics (formerly Invitae), Labcorp
Classification: Likely benign for Peutz-Jeghers syndrome. Last evaluated: 2025-11-27. Review status: criteria provided, single submitter. Criteria: Invitae Variant Classification Sherloc (09022015). Collection method: clinical testing. Allele origin: germline.

All of Us Research Program, National Institutes of Health
Classification: Likely benign for Peutz-Jeghers syndrome. Last evaluated: 2024-08-06. Review status: criteria provided, single submitter. Criteria: ACMG Guidelines, 2015. Collection method: clinical testing. Allele origin: germline. Inheritance: Autosomal dominant inheritance. Observed: 7 variant alleles, 7 heterozygotes.
Comment: This study involves interpretation of variants in research participants for the purpose of population health screening. Participant phenotype was not available at the time of variant classification. Additional details can be found in publication PMID: 35346344, PMCID: PMC8962531

Myriad Genetics, Inc.
Classification: Benign for Peutz-Jeghers syndrome. Last evaluated: 2023-04-12. Review status: criteria provided, single submitter. Criteria: Myriad Autosomal Dominant, Autosomal Recessive and X-Linked Classification Criteria (2023). Collection method: clinical testing. Allele origin: unknown.
Comment: This variant is considered benign. This variant is a silent/synonymous amino acid change and it is not expected to impact splicing.

Genome-Nilou Lab
Classification: Likely benign for Peutz-Jeghers syndrome. Last evaluated: 2021-07-15. Review status: criteria provided, single submitter. Criteria: ACMG Guidelines, 2015. Collection method: clinical testing. Allele origin: germline. Affected: no.

Women's Health and Genetics/Laboratory Corporation of America, LabCorp
Classification: Benign. Last evaluated: 2021-03-06. Review status: criteria provided, single submitter. Criteria: LabCorp Variant Classification Summary - May 2015. Collection method: clinical testing. Allele origin: germline.

Quest Diagnostics Nichols Institute San Juan Capistrano
Classification: Likely benign. Last evaluated: 2019-01-09. Review status: criteria provided, single submitter. Criteria: Quest Diagnostics criteria. Collection method: clinical testing. Allele origin: germline.

Color Diagnostics, LLC DBA Color Health
Classification: Likely benign for Hereditary cancer-predisposing syndrome. Last evaluated: 2018-04-11. Review status: criteria provided, single submitter. Criteria: ACMG Guidelines, 2015. Collection method: clinical testing. Allele origin: germline.

GeneDx
Classification: Likely benign. Last evaluated: 2017-08-21. Review status: criteria provided, single submitter. Criteria: GeneDx Variant Classification (06012015). Collection method: clinical testing. Allele origin: germline. Affected: yes.
Comment: This variant is considered likely benign or benign based on one or more of the following criteria: it is a conservative change, it occurs at a poorly conserved position in the protein, it is predicted to be benign by multiple in silico algorithms, and/or has population frequency not consistent with disease.

Ambry Genetics
Classification: Likely benign for Hereditary cancer-predisposing syndrome. Last evaluated: 2015-02-05. Review status: criteria provided, single submitter. Criteria: Ambry Variant Classification Scheme 2023. Collection method: clinical testing. Allele origin: germline.

Counsyl
Classification: Likely benign for Peutz-Jeghers syndrome. Last evaluated: 2016-03-02. Review status: no assertion criteria provided. Collection method: clinical testing. Allele origin: unknown. Not counted in ClinVar's aggregate classification.